The following is an entry in ClinVar:

NM_006766.5(KAT6A):c.2911C>G (p.Arg971Gly)

Gene: KAT6A (lysine acetyltransferase 6A; minus strand). Cytogenetic location: 8p11.21.
Variant type: single nucleotide variant.
Coding change: c.2911C>G on transcript NM_006766.5 (MANE Select); coding-DNA position 2911, C replaced by G.
Protein change: p.Arg971Gly; replaces arginine 971 with glycine.
Molecular consequence: missense variant.
Genome position (GRCh38, 1-based): chr8:41,940,970, G>C on the plus strand (C>G on the coding strand, the complement: KAT6A is on the minus strand). VCF-style: chr8-41940970-G-C. GRCh37 (hg19) VCF-style: chr8-41798488-G-C.
Other names: short protein forms R971G.
Identifiers: ClinVar variation 2100869 (VCV002100869.4), dbSNP rs146209687, ClinGen allele CA371071395.

ClinVar aggregate classification (germline): Uncertain significance (1 of 4 stars; one submission).

Submission:

Labcorp Genetics (formerly Invitae), Labcorp
Classification: Uncertain significance. Last evaluated: 2024-04-13. Review status: criteria provided, single submitter. Criteria: Invitae Variant Classification Sherloc (09022015). Collection method: clinical testing. Allele origin: germline.
Comment: This sequence change replaces arginine, which is basic and polar, with glycine, which is neutral and non-polar, at codon 971 of the KAT6A protein (p.Arg971Gly). This variant is not present in population databases (gnomAD no frequency). This variant has not been reported in the literature in individuals affected with KAT6A-related conditions. ClinVar contains an entry for this variant (Variation ID: 2100869). An algorithm developed to predict the effect of missense changes on protein structure and function (PolyPhen-2) suggests that this variant is likely to be tolerated. In summary, the available evidence is currently insufficient to determine the role of this variant in disease. Therefore, it has been classified as a Variant of Uncertain Significance.